The following is an entry in ClinVar:

ClinVar aggregate classification (germline): Uncertain significance (1 of 4 stars; one submission).

Conditions:
Familial adenomatous polyposis 1 (FAP1). Also called: FAMILIAL ADENOMATOUS POLYPOSIS 1, ATTENUATED; POLYPOSIS, ADENOMATOUS INTESTINAL. Identifiers: MedGen C2713442, MONDO:0021056, OMIM 175100. Disease mechanism: loss of function.

Allele frequency attached by ClinVar (database versions not stated): gnomAD exomes below 0.00001; TOPMed 0.00001.
gnomAD v4.1: 1 of 1,612,604 alleles (0.000062%); highest among the groups gnomAD compares: East Asian, 0.0022%; no homozygotes.

Submission:

Labcorp Genetics (formerly Invitae), Labcorp
Classification: Uncertain significance for Familial adenomatous polyposis 1. Last evaluated: 2023-07-25. Review status: criteria provided, single submitter. Criteria: Invitae Variant Classification Sherloc (09022015). Collection method: clinical testing. Allele origin: germline.
Comment: In summary, the available evidence is currently insufficient to determine the role of this variant in disease. Therefore, it has been classified as a Variant of Uncertain Significance. Advanced modeling of protein sequence and biophysical properties (such as structural, functional, and spatial information, amino acid conservation, physicochemical variation, residue mobility, and thermodynamic stability) performed at Invitae indicates that this missense variant is not expected to disrupt APC protein function. ClinVar contains an entry for this variant (Variation ID: 411464). This variant has not been reported in the literature in individuals affected with APC-related conditions. This variant is not present in population databases (gnomAD no frequency). This sequence change replaces lysine, which is basic and polar, with glutamic acid, which is acidic and polar, at codon 1826 of the APC protein (p.Lys1826Glu).

NM_000038.6(APC):c.5476A>G (p.Lys1826Glu)

Gene: APC (APC regulator of Wnt signaling pathway; plus strand). Cytogenetic location: 5q22.2.
Variant type: single nucleotide variant.
Coding change: c.5476A>G on transcript NM_000038.6 (MANE Select); coding-DNA position 5476, A replaced by G.
Protein change: p.Lys1826Glu; replaces lysine 1826 with glutamic acid.
Molecular consequence: missense variant.
Genome position (GRCh38, 1-based): chr5:112,841,070, A>G. VCF-style: chr5-112841070-A-G. GRCh37 (hg19) VCF-style: chr5-112176767-A-G.
Other names: c.5476A>G, p.Lys1826Glu (NM_001127510.3, NM_001354895.2); c.5422A>G, p.Lys1808Glu (NM_001127511.3); c.5530A>G, p.Lys1844Glu (NM_001354896.2); c.5506A>G, p.Lys1836Glu (NM_001354897.2); c.5401A>G, p.Lys1801Glu (NM_001354898.2); c.5392A>G, p.Lys1798Glu (NM_001354899.2); c.5353A>G, p.Lys1785Glu (NM_001354900.2); c.5299A>G, p.Lys1767Glu (NM_001354901.2); and 5 more; short protein forms K1808E, K1826E, K1725E, K1767E, K1798E, K1666E, K1700E, K1785E.
Identifiers: ClinVar variation 411464 (VCV000411464.10), dbSNP rs1060503319, ClinGen allele CA16033313.
Genomic context (GRCh38, chr5:112,841,070, plus strand): 5'-TCAGACAACAAAGATTCAAAGAAACAGAATTTGAAAAATAATTCCAAGGTCTTCAATGAT[A>G]AGCTCCCAAATAATGAAGATAGAGTCAGAGGAAGTTTTGCTTTTGATTCACCTCATCATT-3'
Protein context (NP_000029.2, residues 1816-1836): LKNNSKVFND[Lys1826Glu]LPNNEDRVRG